The following is an entry in ClinVar:

ClinVar aggregate classification (germline): Conflicting classifications of pathogenicity. Review status: criteria provided, conflicting classifications (1 of 4 stars). 6 submissions from 6 submitters: Uncertain significance (1); Benign (3); Likely benign (2). Last evaluated 2026-07-01.

Conditions:
CD151-related disorder. Also called: CD151-related condition.

Allele frequency attached by ClinVar (database versions not stated): gnomAD exomes 0.00036 and 0.00081; ExAC 0.00103; 1000 Genomes Project 30x 0.00281; gnomAD 0.00309 and 0.00336; 1000 Genomes Project 0.00339; TOPMed 0.00386; ESP Exome Variant Server 0.00400.

Submissions (6):

CeGaT Center for Human Genetics Tuebingen
Classification: Likely benign. Last evaluated: 2026-07-01. Review status: criteria provided, single submitter. Criteria: CeGaT Center For Human Genetics Tuebingen Variant Classification Criteria Version 2. Collection method: clinical testing. Allele origin: germline. Affected: yes. Observed: 1 variant allele.
Comment: CD151: BS1

Labcorp Genetics (formerly Invitae), Labcorp
Classification: Benign. Last evaluated: 2026-01-19. Review status: criteria provided, single submitter. Criteria: Invitae Variant Classification Sherloc (09022015). Collection method: clinical testing. Allele origin: germline.

PreventionGenetics, part of Exact Sciences
Classification: Benign for CD151-related condition. Last evaluated: 2024-11-06. Review status: criteria provided, single submitter. Criteria: ACMG Guidelines, 2015. Collection method: clinical testing. Allele origin: germline.
Comment: This variant is classified as benign based on ACMG/AMP sequence variant interpretation guidelines (Richards et al. 2015 PMID: 25741868, with internal and published modifications).

Blueprint Genetics
Classification: Likely benign. Last evaluated: 2024-07-15. Review status: criteria provided, single submitter. Criteria: ACMG Guidelines, 2015. Collection method: clinical testing. Allele origin: germline.

Mayo Clinic Laboratories, Mayo Clinic
Classification: Uncertain significance. Last evaluated: 2023-10-04. Review status: criteria provided, single submitter. Criteria: ACMG Guidelines, 2015. Collection method: clinical testing. Allele origin: germline. Observed: 1 variant allele.

Breakthrough Genomics
Classification: Benign. Review status: criteria provided, single submitter. Criteria: ACMG Guidelines, 2015. Collection method: not provided. Allele origin: germline. Inheritance: Autosomal recessive inheritance. Affected: yes.

NM_004357.5(CD151):c.252G>T (p.Lys84Asn)

Gene: CD151 (CD151 molecule (Raph blood group); plus strand). Cytogenetic location: 11p15.5.
Variant type: single nucleotide variant.
Coding change: c.252G>T on transcript NM_004357.5 (MANE Select); coding-DNA position 252, G replaced by T.
Protein change: p.Lys84Asn; replaces lysine 84 with asparagine.
Molecular consequence: missense variant.
Genome position (GRCh38, 1-based): chr11:836,418, G>T. VCF-style: chr11-836418-G-T. GRCh37 (hg19) VCF-style: chr11-836418-G-T.
Other names: p.Lys84Asn; c.252G>T (NM_004357.4); c.252G>T, p.Lys84Asn (NM_001039490.2, NM_139029.2, NM_139030.4); short protein forms K84N.
Identifiers: ClinVar variation 1554147 (VCV001554147.13), dbSNP rs116211118, ClinGen allele CA5792102.